The following is an entry in ClinVar:

ClinVar aggregate classification (germline): Benign (0 of 4 stars; one submission).

Conditions:
Holoprosencephaly 3 (HPE3). Identifiers: Orphanet 2162, MedGen C1840529, MONDO:0007733, OMIM 142945.

Allele frequency attached by ClinVar (database versions not stated): gnomAD 0.00001; TOPMed 0.00002; gnomAD exomes 0.00001.
gnomAD v4.1: 13 of 1,496,286 alleles (0.00087%); highest among the groups gnomAD compares: Non-Finnish European, 0.0012%; no homozygotes.

Submission:

GeneReviews
Classification: Benign for Holoprosencephaly. Last evaluated: 2013-08-29. Review status: no assertion criteria provided. Collection method: curation. Allele origin: unknown.
ClinVar note: Converted during submission from non-pathogenic to Benign.

NM_000193.4(SHH):c.1005G>A (p.Val335=)

Gene: SHH (sonic hedgehog signaling molecule; minus strand). Cytogenetic location: 7q36.3.
Variant type: single nucleotide variant.
Coding change: c.1005G>A on transcript NM_000193.4 (MANE Select); coding-DNA position 1005, G replaced by A.
Protein change: p.Val335=; no amino-acid change (valine 335 retained).
Molecular consequence: synonymous variant. On other transcripts: intron variant (1).
Genome position (GRCh38, 1-based): chr7:155,803,284, C>T on the plus strand (G>A on the coding strand, the complement: SHH is on the minus strand). VCF-style: chr7-155803284-C-T. GRCh37 (hg19) VCF-style: chr7-155595978-C-T.
Other names: c.1005G>A; c.301+3012G>A (NM_001310462.2).
Identifiers: ClinVar variation 65824 (VCV000065824.2), dbSNP rs587778774, ClinGen allele CA345150.